The following is an entry in ClinVar:

ClinVar aggregate classification (germline): Conflicting classifications of pathogenicity. Review status: criteria provided, conflicting classifications (1 of 4 stars). 10 submissions from 6 submitters: Uncertain significance (4); Benign (2); Likely benign (1). 3 of the submissions do not count toward it. Last evaluated 2021-09-02.

Conditions:
Tibial muscular dystrophy (TMD). Also called: UDD MYOPATHY; Tibial muscular dystrophy, tardive; Udd Distal Myopathy – Tibial Muscular Dystrophy. Identifiers: Orphanet 609, MedGen C1838244, MONDO:0010870, OMIM 600334.
Early-onset myopathy with fatal cardiomyopathy (CMYO5). Also called: CONGENITAL MYOPATHY 5 WITH CARDIOMYOPATHY; Salih Myopathy. Identifiers: Orphanet 289377, MedGen C2673677, MONDO:0012714, OMIM 611705. Disease mechanism: loss of function.
Dilated cardiomyopathy 1G (CMD1G). Identifiers: Orphanet 154, MedGen C1858763, MONDO:0011400, OMIM 604145.
Autosomal recessive limb-girdle muscular dystrophy type 2J (LGMDR10). Also called: MUSCULAR DYSTROPHY, LIMB-GIRDLE, AUTOSOMAL RECESSIVE 10; Limb-girdle muscular dystrophy, type 2J. Identifiers: Orphanet 140922, MedGen C1837342, MONDO:0012127, OMIM 608807.
Myopathy, myofibrillar, 9, with early respiratory failure (MFM9). Also called: Hereditary myopathy with early respiratory failure; EDSTROM MYOPATHY; MYOPATHY, PROXIMAL, WITH EARLY RESPIRATORY MUSCLE INVOLVEMENT; Myopathy, distal, with early respiratory failure, autosomal dominant. Identifiers: Orphanet 178464, Orphanet 34521, MedGen C1863599, MONDO:0011362, OMIM 603689.

Allele frequency attached by ClinVar (database versions not stated): gnomAD exomes 0.00001 and 0.00002; TOPMed 0.00002; gnomAD 0.00003; ExAC 0.00004.
gnomAD v4.1: 27 of 1,612,954 alleles (0.0017%); highest among the groups gnomAD compares: Non-Finnish European, 0.002%; no homozygotes.

Submissions (10):

Blueprint Genetics
Classification: Likely benign. Last evaluated: 2021-09-02. Review status: criteria provided, single submitter. Criteria: ACMG Guidelines, 2015. Collection method: clinical testing. Allele origin: germline.

Labcorp Genetics (formerly Invitae), Labcorp
Classification: Uncertain significance for Dilated cardiomyopathy 1G; Autosomal recessive limb-girdle muscular dystrophy type 2J. Last evaluated: 2017-06-19. Review status: criteria provided, single submitter. Criteria: Invitae Variant Classification Sherloc (09022015). Collection method: clinical testing. Allele origin: germline.

Illumina Laboratory Services, Illumina
Classification: Benign for Tibial muscular dystrophy. Last evaluated: 2017-05-08. Review status: criteria provided, single submitter. Criteria: ICSL Variant Classification Criteria 13 December 2019. Collection method: clinical testing. Allele origin: germline.
Comment: This variant was observed as part of a predisposition screen in an ostensibly healthy population. A literature search was performed for the gene, cDNA change, and amino acid change (where applicable). No publications were found based on this search. Allele frequency data from public databases was too high to be consistent with this variant causing disease. Therefore, this variant is classified as benign.

Illumina Laboratory Services, Illumina
Classification: Benign for Myopathy, myofibrillar, 9, with early respiratory failure. Last evaluated: 2017-05-08. Review status: criteria provided, single submitter. Criteria: ICSL Variant Classification Criteria 13 December 2019. Collection method: clinical testing. Allele origin: germline.
Comment: the same text as in the submission from Illumina Laboratory Services, Illumina above.

Illumina Laboratory Services, Illumina
Classification: Uncertain significance for Dilated cardiomyopathy 1G. Last evaluated: 2017-04-28. Review status: criteria provided, single submitter. Criteria: ICSL Variant Classification Criteria 13 December 2019. Collection method: clinical testing. Allele origin: germline.

Illumina Laboratory Services, Illumina
Classification: Uncertain significance for Autosomal recessive limb-girdle muscular dystrophy type 2J. Last evaluated: 2017-04-28. Review status: criteria provided, single submitter. Criteria: ICSL Variant Classification Criteria 13 December 2019. Collection method: clinical testing. Allele origin: germline.

Illumina Laboratory Services, Illumina
Classification: Uncertain significance for Early-onset myopathy with fatal cardiomyopathy. Last evaluated: 2017-04-28. Review status: criteria provided, single submitter. Criteria: ICSL Variant Classification Criteria 13 December 2019. Collection method: clinical testing. Allele origin: germline.

Clinical Genetics DNA and cytogenetics Diagnostics Lab, Erasmus MC, Erasmus Medical Center
Classification: Uncertain significance. Review status: no assertion criteria provided. Collection method: clinical testing. Allele origin: germline. Affected: yes. Study: VKGL Data-share Consensus. Not counted in ClinVar's aggregate classification.

Clinical Genetics, Academic Medical Center
Classification: Uncertain significance. Review status: no assertion criteria provided. Collection method: clinical testing. Allele origin: germline. Affected: yes. Study: VKGL Data-share Consensus. Not counted in ClinVar's aggregate classification.

Diagnostic Laboratory, Department of Genetics, University Medical Center Groningen
Classification: Uncertain significance. Review status: no assertion criteria provided. Collection method: clinical testing. Allele origin: germline. Affected: yes. Study: VKGL Data-share Consensus. Not counted in ClinVar's aggregate classification.

NM_001267550.2(TTN):c.50597G>A (p.Arg16866Lys)

Genes: TTN (titin; minus strand), TTN-AS1 (TTN antisense RNA 1; plus strand). Cytogenetic location: 2q31.2.
Variant type: single nucleotide variant.
Coding change: c.50597G>A on transcript NM_001267550.2 (MANE Select); coding-DNA position 50597, G replaced by A.
Protein change: p.Arg16866Lys; replaces arginine 16866 with lysine.
Molecular consequence: missense variant.
Genome position (GRCh38, 1-based): chr2:178,611,632, C>T on the plus strand (G>A on the coding strand, the complement: TTN is on the minus strand). VCF-style: chr2-178611632-C-T. GRCh37 (hg19) VCF-style: chr2-179476359-C-T.
Other names: c.45674G>A, p.Arg15225Lys (NM_001256850.1); c.23402G>A, p.Arg7801Lys (NM_003319.4); c.42893G>A, p.Arg14298Lys (NM_133378.4); c.23777G>A, p.Arg7926Lys (NM_133432.3); c.23978G>A, p.Arg7993Lys (NM_133437.4); short protein forms R16866K, R7926K, R14298K, R15225K, R7993K, R7801K.
Identifiers: ClinVar variation 467225 (VCV000467225.12), dbSNP rs774137928, ClinGen allele CA1994337.
Genomic context (GRCh38, chr2:178,611,632, plus strand): 5'-CCTATGATAGGACTTCCACCATTTTTCTCTGGAGGCTTCCAAGCAATGGCAATGTGTTTT[C>T]TCCCAGCATCAGTCACATGTAGGTCAAGGGGTGGTGAGGGAGGACCTGAGAAAAGAGTGA-3'
Protein context (NP_001254479.2, residues 16856-16876): PLDLHVTDAG[Arg16866Lys]KHIAIAWKPP